The following is an entry in ClinVar:

NM_000399.5(EGR2):c.679C>T (p.Pro227Ser)

Gene: EGR2 (early growth response 2; minus strand). Cytogenetic location: 10q21.3.
Variant type: single nucleotide variant.
Coding change: c.679C>T on transcript NM_000399.5 (MANE Select); coding-DNA position 679, C replaced by T.
Protein change: p.Pro227Ser; replaces proline 227 with serine.
Molecular consequence: missense variant.
Genome position (GRCh38, 1-based): chr10:62,813,959, G>A on the plus strand (C>T on the coding strand, the complement: EGR2 is on the minus strand). VCF-style: chr10-62813959-G-A. GRCh37 (hg19) VCF-style: chr10-64573719-G-A.
Other names: c.679C>T, p.Pro227Ser (NM_001136177.3, NM_001136178.2); c.529C>T, p.Pro177Ser (NM_001136179.3, NM_001321037.2); short protein forms P227S, P177S.
Identifiers: ClinVar variation 195072 (VCV000195072.15), dbSNP rs794727248, ClinGen allele CA241345.
Genomic context (GRCh38, chr10:62,813,959, plus strand): 5'-TACGGTCTGGGCCAGCTGTACCATGTAGGTCTCTCTGGCACTGAGATGGAAAGAATCCAG[G>A]ATAGTCTGGGATCATTGGGAAGAGACCTGGGTCCGTGGCTGGCTTGGGGGATGGATAGGA-3'
Protein context (NP_000390.2, residues 217-237): PGLFPMIPDY[Pro227Ser]GFFPSQCQRD

ClinVar aggregate classification (germline): Uncertain significance. Review status: criteria provided, multiple submitters, no conflicts (2 of 4 stars). 2 submissions from 2 submitters: Uncertain significance (2). Last evaluated 2022-07-12.

Conditions:
Charcot-Marie-Tooth disease, type I (CMT1). Also called: Charcot-Marie-Tooth, Type 1; Charcot-Marie-Tooth disease type 1. Identifiers: Orphanet 65753, MedGen C0751036, MONDO:0019011.

Allele frequency attached by ClinVar (database versions not stated): gnomAD 0.00005 and 0.00004; TOPMed 0.00005; gnomAD exomes below 0.00001 and 0.00002.

Submissions (2):

Labcorp Genetics (formerly Invitae), Labcorp
Classification: Uncertain significance for Charcot-Marie-Tooth disease, type I. Last evaluated: 2022-07-12. Review status: criteria provided, single submitter. Criteria: Invitae Variant Classification Sherloc (09022015). Collection method: clinical testing. Allele origin: germline.
Comment: In summary, the available evidence is currently insufficient to determine the role of this variant in disease. Therefore, it has been classified as a Variant of Uncertain Significance. Algorithms developed to predict the effect of missense changes on protein structure and function (SIFT, PolyPhen-2, Align-GVGD) all suggest that this variant is likely to be tolerated. ClinVar contains an entry for this variant (Variation ID: 195072). This variant has not been reported in the literature in individuals affected with EGR2-related conditions. This variant is present in population databases (rs794727248, gnomAD 0.02%). This sequence change replaces proline, which is neutral and non-polar, with serine, which is neutral and polar, at codon 227 of the EGR2 protein (p.Pro227Ser).

Eurofins Ntd Llc (ga)
Classification: Uncertain significance. Last evaluated: 2015-05-26. Review status: criteria provided, single submitter. Criteria: EGL Classification Definitions 2015. Collection method: clinical testing. Allele origin: germline. Observed: 1 variant allele, 1 heterozygote.